The following is an entry in ClinVar:

ClinVar aggregate classification (germline): Conflicting classifications of pathogenicity. Review status: criteria provided, conflicting classifications (1 of 4 stars). 4 submissions from 4 submitters: Uncertain significance (1); Benign (1); Likely benign (1). 1 of the submissions does not count toward it. Last evaluated 2026-01-20.

Conditions:
Microcephaly 1, primary, autosomal recessive (MCPH1). Also called: PREMATURE CHROMOSOME CONDENSATION SYNDROME; PCC SYNDROME; PREMATURE CHROMOSOME CONDENSATION WITH MICROCEPHALY AND MENTAL RETARDATION. Identifiers: Orphanet 2512, MedGen C1855081, MONDO:0009617, OMIM 251200.
MCPH1-related disorder. Also called: MCPH1-related condition.

Allele frequency attached by ClinVar (database versions not stated): 1000 Genomes Project 30x 0.00016; 1000 Genomes Project 0.00020; ESP Exome Variant Server 0.00025; gnomAD 0.00028 and 0.00030; ExAC 0.00032; gnomAD exomes 0.00032; TOPMed 0.00039.
gnomAD v4.1: 489 of 1,612,602 alleles (0.03%); highest among the groups gnomAD compares: Middle Eastern, 0.2%; 3 homozygotes.

Submissions (4):

Labcorp Genetics (formerly Invitae), Labcorp
Classification: Benign. Last evaluated: 2026-01-20. Review status: criteria provided, single submitter. Criteria: Invitae Variant Classification Sherloc (09022015). Collection method: clinical testing. Allele origin: germline.

Illumina Laboratory Services, Illumina
Classification: Uncertain significance for Microcephaly 1, primary, autosomal recessive. Last evaluated: 2018-01-13. Review status: criteria provided, single submitter. Criteria: ICSL Variant Classification Criteria 13 December 2019. Collection method: clinical testing. Allele origin: germline.

GeneDx
Classification: Likely benign. Last evaluated: 2016-05-24. Review status: criteria provided, single submitter. Criteria: GeneDx Variant Classification (06012015). Collection method: clinical testing. Allele origin: germline. Affected: yes.
Comment: This variant is considered likely benign or benign based on one or more of the following criteria: it is a conservative change, it occurs at a poorly conserved position in the protein, it is predicted to be benign by multiple in silico algorithms, and/or has population frequency not consistent with disease.

PreventionGenetics, part of Exact Sciences
Classification: Likely benign for MCPH1-related condition. Last evaluated: 2022-09-23. Review status: no assertion criteria provided. Collection method: clinical testing. Allele origin: germline. Not counted in ClinVar's aggregate classification.
Comment: This variant is classified as likely benign based on ACMG/AMP sequence variant interpretation guidelines (Richards et al. 2015 PMID: 25741868, with internal and published modifications).

NM_024596.5(MCPH1):c.115-14C>T

Gene: MCPH1 (microcephalin 1; plus strand). Cytogenetic location: 8p23.1.
Variant type: single nucleotide variant.
Coding change: c.115-14C>T on transcript NM_024596.5 (MANE Select); 14 bases into the intron before coding-DNA position 115, C replaced by T.
Molecular consequence: intron variant.
Genome position (GRCh38, 1-based): chr8:6,414,751, C>T. VCF-style: chr8-6414751-C-T. GRCh37 (hg19) VCF-style: chr8-6272272-C-T.
Other names: c.115-14C>T (NM_001322042.1, NM_001322042.2, NM_001363980.2 and 3 more transcripts); c.109-14C>T (NM_001322043.2); c.13-14C>T (NM_001322045.2).
Identifiers: ClinVar variation 363518 (VCV000363518.14), dbSNP rs200346652, ClinGen allele CA4610071.